The following is an entry in ClinVar:

ClinVar aggregate classification (germline): Uncertain significance (1 of 4 stars; one submission).

Allele frequency attached by ClinVar (database versions not stated): gnomAD exomes 0.00001; TOPMed 0.00001; gnomAD 0.00002; ExAC 0.00003.
gnomAD v4.1: 22 of 1,613,896 alleles (0.0014%); highest among the groups gnomAD compares: Middle Eastern, 0.033%; no homozygotes.

Submission:

Labcorp Genetics (formerly Invitae), Labcorp
Classification: Uncertain significance. Last evaluated: 2022-11-06. Review status: criteria provided, single submitter. Criteria: Invitae Variant Classification Sherloc (09022015). Collection method: clinical testing. Allele origin: germline.
Comment: This variant is present in population databases (rs748121428, gnomAD 0.006%). In summary, the available evidence is currently insufficient to determine the role of this variant in disease. Therefore, it has been classified as a Variant of Uncertain Significance. Algorithms developed to predict the effect of missense changes on protein structure and function are either unavailable or do not agree on the potential impact of this missense change (SIFT: "Deleterious"; PolyPhen-2: "Benign"; Align-GVGD: "Class C35"). This variant has not been reported in the literature in individuals affected with NDUFAF7-related conditions. This sequence change replaces arginine, which is basic and polar, with cysteine, which is neutral and slightly polar, at codon 190 of the NDUFAF7 protein (p.Arg190Cys).

NM_144736.5(NDUFAF7):c.862C>T (p.Arg288Cys)

Gene: NDUFAF7 (NADH:ubiquinone oxidoreductase complex assembly factor 7; plus strand). Cytogenetic location: 2p22.2.
Variant type: single nucleotide variant.
Coding change: c.862C>T on transcript NM_144736.5 (MANE Select); coding-DNA position 862, C replaced by T.
Protein change: p.Arg288Cys; replaces arginine 288 with cysteine.
Molecular consequence: missense variant. On other transcripts: non-coding transcript variant (10).
Genome position (GRCh38, 1-based): chr2:37,246,121, C>T. VCF-style: chr2-37246121-C-T. GRCh37 (hg19) VCF-style: chr2-37473264-C-T.
Other names: c.568C>T, p.Arg190Cys (NM_001083946.2); c.862C>T, p.Arg288Cys (NM_001350024.2); c.781C>T, p.Arg261Cys (NM_001350025.2); c.649C>T, p.Arg217Cys (NM_001350027.2); short protein forms R288C, R190C, R217C, R261C.
Identifiers: ClinVar variation 2719333 (VCV002719333.3), dbSNP rs748121428, ClinGen allele CA1617317.